The following is an entry in ClinVar:

ClinVar aggregate classification (germline): Uncertain significance (1 of 4 stars; one submission).

Conditions:
Developmental and epileptic encephalopathy, 1 (DEE1). Also called: X-linked infantile spasms; West's syndrome; Tonic spasms with clustering, arrest of psychomotor development and hypsarrhythmia on EEG; X-Linked Infantile Spasm Syndrome; OHTAHARA SYNDROME, X-LINKED; INFANTILE SPASM SYNDROME, X-LINKED 1. Identifiers: MedGen C3463992, MONDO:0010632, OMIM 308350. Disease mechanism: loss of function.
Intellectual disability, X-linked, with or without seizures, ARX-related. Also called: INTELLECTUAL DEVELOPMENTAL DISORDER, X-LINKED 29; MENTAL RETARDATION, X-LINKED 29; MENTAL RETARDATION, X-LINKED 32; MENTAL RETARDATION, X-LINKED 33; MENTAL RETARDATION, X-LINKED 38; MENTAL RETARDATION, X-LINKED 43. Identifiers: Orphanet 777, MedGen C0796244, MONDO:0010317, OMIM 300419.

Allele frequency attached by ClinVar (database versions not stated): TOPMed below 0.00001; gnomAD exomes 0.00001.
gnomAD v4.1: 7 of 1,116,289 alleles (0.00063%); highest among the groups gnomAD compares: Non-Finnish European, 0.00082%; no homozygotes.

Submission:

Labcorp Genetics (formerly Invitae), Labcorp
Classification: Uncertain significance for Developmental and epileptic encephalopathy, 1; Intellectual disability, X-linked, with or without seizures, ARX-related. Last evaluated: 2025-01-11. Review status: criteria provided, single submitter. Criteria: Invitae Variant Classification Sherloc (09022015). Collection method: clinical testing. Allele origin: germline.
Comment: This sequence change replaces alanine, which is neutral and non-polar, with threonine, which is neutral and polar, at codon 439 of the ARX protein (p.Ala439Thr). This variant is not present in population databases (gnomAD no frequency). This variant has not been reported in the literature in individuals affected with ARX-related conditions. ClinVar contains an entry for this variant (Variation ID: 2933236). Invitae Evidence Modeling of protein sequence and biophysical properties (such as structural, functional, and spatial information, amino acid conservation, physicochemical variation, residue mobility, and thermodynamic stability) indicates that this missense variant is not expected to disrupt ARX protein function with a negative predictive value of 80%. In summary, the available evidence is currently insufficient to determine the role of this variant in disease. Therefore, it has been classified as a Variant of Uncertain Significance.

NM_139058.3(ARX):c.1315G>A (p.Ala439Thr)

Gene: ARX (aristaless related homeobox; minus strand). Cytogenetic location: Xp21.3.
Variant type: single nucleotide variant.
Coding change: c.1315G>A on transcript NM_139058.3 (MANE Select); coding-DNA position 1315, G replaced by A.
Protein change: p.Ala439Thr; replaces alanine 439 with threonine.
Molecular consequence: missense variant.
Genome position (GRCh38, 1-based): chrX:25,007,244, C>T on the plus strand (G>A on the coding strand, the complement: ARX is on the minus strand). VCF-style: chrX-25007244-C-T. GRCh37 (hg19) VCF-style: chrX-25025361-C-T.
Other names: short protein forms A439T.
Identifiers: ClinVar variation 2933236 (VCV002933236.3), dbSNP rs1240121827, ClinGen allele CA412611268.